The following is an entry in ClinVar:

NM_000245.4(MET):c.2083A>G (p.Lys695Glu)

Gene: MET (MET proto-oncogene, receptor tyrosine kinase; plus strand). Cytogenetic location: 7q31.2.
Variant type: single nucleotide variant.
Coding change: c.2083A>G on transcript NM_000245.4 (MANE Select); coding-DNA position 2083, A replaced by G.
Protein change: p.Lys695Glu; replaces lysine 695 with glutamic acid.
Molecular consequence: missense variant.
Genome position (GRCh38, 1-based): chr7:116,757,755, A>G. VCF-style: chr7-116757755-A-G. GRCh37 (hg19) VCF-style: chr7-116397809-A-G.
Other names: c.2083A>G, p.Lys695Glu (NM_001127500.3, NM_001324401.3); c.793A>G, p.Lys265Glu (NM_001324402.2); short protein forms K265E, K695E.
Identifiers: ClinVar variation 4053988 (VCV004053988.1).

ClinVar aggregate classification (germline): Uncertain significance (1 of 4 stars; one submission).

Conditions:
Hereditary cancer-predisposing syndrome. Also called: Neoplastic Syndromes, Hereditary; Tumor predisposition; Hereditary neoplastic syndrome; Hereditary Cancer Syndrome. Identifiers: Orphanet 140162, MedGen C0027672, MeSH D009386, MONDO:0015356.

Submission:

Ambry Genetics
Classification: Uncertain significance for Hereditary cancer-predisposing syndrome. Last evaluated: 2025-06-07. Review status: criteria provided, single submitter. Criteria: Ambry Variant Classification Scheme 2023. Collection method: clinical testing. Allele origin: germline.
Comment: The p.K695E variant (also known as c.2083A>G), located in coding exon 7 of the MET gene, results from an A to G substitution at nucleotide position 2083. The lysine at codon 695 is replaced by glutamic acid, an amino acid with similar properties. This amino acid position is conserved. In addition, this alteration is predicted to be tolerated by in silico analysis. Based on the available evidence, the clinical significance of this variant remains unclear.